The following is an entry in ClinVar:

ClinVar aggregate classification (germline): Benign/Likely benign. Review status: criteria provided, multiple submitters, no conflicts (2 of 4 stars). 4 submissions from 4 submitters: Benign (3); Likely benign (1). Last evaluated 2026-02-02.

Conditions:
Fibrous dysplasia of jaw (CRBM). Also called: Cherubism. Identifiers: Orphanet 184, MedGen C0008029, MONDO:0007315, OMIM 118400.

Allele frequency attached by ClinVar (database versions not stated): gnomAD 0.00029; TOPMed 0.00071; 1000 Genomes Project 0.00080; 1000 Genomes Project 30x 0.00125.

Submissions (4):

Labcorp Genetics (formerly Invitae), Labcorp
Classification: Benign for Fibrous dysplasia of jaw. Last evaluated: 2026-02-02. Review status: criteria provided, single submitter. Criteria: Invitae Variant Classification Sherloc (09022015). Collection method: clinical testing. Allele origin: germline.

Women's Health and Genetics/Laboratory Corporation of America, LabCorp
Classification: Benign. Last evaluated: 2026-01-23. Review status: criteria provided, single submitter. Criteria: LabCorp Variant Classification Summary - May 2015. Collection method: clinical testing. Allele origin: germline.

Mayo Clinic Laboratories, Mayo Clinic
Classification: Likely benign. Last evaluated: 2025-02-13. Review status: criteria provided, single submitter. Criteria: ACMG Guidelines, 2015. Collection method: clinical testing. Allele origin: germline. Observed: 1 variant allele.
Comment: BS1, BP4, BP7

Breakthrough Genomics
Classification: Benign. Review status: criteria provided, single submitter. Criteria: ACMG Guidelines, 2015. Collection method: not provided. Allele origin: germline. Inheritance: Autosomal dominant inheritance. Affected: yes.

NM_001122681.2(SH3BP2):c.543C>T (p.Asp181=)

Gene: SH3BP2 (SH3 domain binding protein 2; plus strand). Cytogenetic location: 4p16.3.
Variant type: single nucleotide variant.
Coding change: c.543C>T on transcript NM_001122681.2 (MANE Select); coding-DNA position 543, C replaced by T.
Protein change: p.Asp181=; no amino-acid change (aspartic acid 181 retained).
Molecular consequence: synonymous variant.
Genome position (GRCh38, 1-based): chr4:2,827,631, C>T. VCF-style: chr4-2827631-C-T. GRCh37 (hg19) VCF-style: chr4-2829358-C-T.
Other names: p.Asp181=; c.627C>T, p.Asp209= (NM_001145855.2, LRG_1334t2); c.714C>T, p.Asp238= (NM_001145856.2); c.543C>T, p.Asp181= (NM_003023.4, LRG_1334t1).
Identifiers: ClinVar variation 454494 (VCV000454494.14), dbSNP rs201371505, ClinGen allele CA2819232.
Genomic context (GRCh38, chr4:2,827,631, plus strand): 5'-GGTTTGGCTCTCACCACCCCCCTCTCCCCATGCAGACTATGAGCACGACGATGAGGATGA[C>T]TCCTACCTGGAGCCTGACTCCCCGGAGCCCGGAAGGCTTGAGGGTAGGTGGGGCGGGTGG-3'
Protein context (NP_001116153.1, residues 171-191): NEDYEHDDED[Asp181=]SYLEPDSPEP